The following is an entry in ClinVar:

ClinVar aggregate classification (germline): Uncertain significance. Review status: criteria provided, multiple submitters, no conflicts (2 of 4 stars). 2 submissions from 2 submitters: Uncertain significance (2). Last evaluated 2024-05-06.

Conditions:
Hereditary cancer-predisposing syndrome. Also called: Tumor predisposition; Hereditary neoplastic syndrome; Neoplastic Syndromes, Hereditary; Hereditary Cancer Syndrome. Identifiers: Orphanet 140162, MedGen C0027672, MeSH D009386, MONDO:0015356.
Haddad syndrome (OHD). Also called: Ondine-Hirschsprung disease. Identifiers: Orphanet 99803, MedGen C1859049, MONDO:0020493.

gnomAD v4.1: 3 of 1,575,784 alleles (0.00019%); highest among the groups gnomAD compares: East Asian, 0.0073%; no homozygotes.

Submissions (2):

Labcorp Genetics (formerly Invitae), Labcorp
Classification: Uncertain significance for Haddad syndrome. Last evaluated: 2024-05-06. Review status: criteria provided, single submitter. Criteria: Invitae Variant Classification Sherloc (09022015). Collection method: clinical testing. Allele origin: germline.
Comment: This sequence change replaces glycine, which is neutral and non-polar, with valine, which is neutral and non-polar, at codon 272 of the PHOX2B protein (p.Gly272Val). This variant is not present in population databases (gnomAD no frequency). This variant has not been reported in the literature in individuals affected with PHOX2B-related conditions. ClinVar contains an entry for this variant (Variation ID: 665555). Experimental studies and prediction algorithms are not available or were not evaluated, and the functional significance of this variant is currently unknown. In summary, the available evidence is currently insufficient to determine the role of this variant in disease. Therefore, it has been classified as a Variant of Uncertain Significance.

Ambry Genetics
Classification: Uncertain significance for Hereditary cancer-predisposing syndrome. Last evaluated: 2021-10-27. Review status: criteria provided, single submitter. Criteria: Ambry Variant Classification Scheme 2023. Collection method: clinical testing. Allele origin: germline.
Comment: The p.G272V variant (also known as c.815G>T), located in coding exon 3 of the PHOX2B gene, results from a G to T substitution at nucleotide position 815. The glycine at codon 272 is replaced by valine, an amino acid with dissimilar properties. This amino acid position is highly conserved in available vertebrate species. In addition, the in silico prediction for this alteration is inconclusive. Since supporting evidence is limited at this time, the clinical significance of this alteration remains unclear.

NM_003924.4(PHOX2B):c.815G>T (p.Gly272Val)

Gene: PHOX2B (paired like homeobox 2B; minus strand). Cytogenetic location: 4p13.
Variant type: single nucleotide variant.
Coding change: c.815G>T on transcript NM_003924.4 (MANE Select); coding-DNA position 815, G replaced by T.
Protein change: p.Gly272Val; replaces glycine 272 with valine.
Molecular consequence: missense variant.
Genome position (GRCh38, 1-based): chr4:41,745,937, C>A on the plus strand (G>T on the coding strand, the complement: PHOX2B is on the minus strand). VCF-style: chr4-41745937-C-A. GRCh37 (hg19) VCF-style: chr4-41747954-C-A.
Other names: short protein forms G272V.
Identifiers: ClinVar variation 665555 (VCV000665555.12), dbSNP rs1355806826, ClinGen allele CA356737085.